The following is an entry in ClinVar:

NM_001352514.2(HLCS):c.1634del (p.Pro545fs)

Gene: HLCS (holocarboxylase synthetase; minus strand). Cytogenetic location: 21q22.13.
Variant type: Deletion.
Coding change: c.1634del on transcript NM_001352514.2 (MANE Select); coding-DNA position 1634, one base deleted (C; older notation c.1634delC).
Protein change: p.Pro545fs; shifts the reading frame from proline 545.
Molecular consequence: frameshift variant. On other transcripts: non-coding transcript variant (2).
Genome position (GRCh38, 1-based): chr21:36,897,118, G deleted on the plus strand (C on the coding strand, the reverse complement: HLCS is on the minus strand); the first of 2 consecutive G bases (chr21:36,897,118-36,897,119); deleting either gives the same sequence. VCF-style (leftmost placement, unchanged base first): chr21-36897117-AG-A. GRCh37 (hg19) VCF-style: chr21-38269417-AG-A.
Other names: c.1193del, p.Pro398fs (NM_000411.8, NM_001242784.3, NM_001242785.2 and 4 more transcripts); short protein forms P398fs, P545fs.
Identifiers: ClinVar variation 1452545 (VCV001452545.7), dbSNP rs2146336447, ClinGen allele CA2573157376.

ClinVar aggregate classification (germline): Pathogenic. Review status: criteria provided, multiple submitters, no conflicts (2 of 4 stars). 2 submissions from 2 submitters: Pathogenic (2). Last evaluated 2025-07-28.

Conditions:
Holocarboxylase synthetase deficiency. Also called: MULTIPLE CARBOXYLASE DEFICIENCY, EARLY ONSET. Identifiers: Orphanet 79242, MedGen C0268581, MONDO:0009666, OMIM 253270.

Submissions (2):

Labcorp Genetics (formerly Invitae), Labcorp
Classification: Pathogenic for Holocarboxylase synthetase deficiency. Last evaluated: 2025-07-28. Review status: criteria provided, single submitter. Criteria: Invitae Variant Classification Sherloc (09022015). Collection method: clinical testing. Allele origin: germline.
Comment: This sequence change creates a premature translational stop signal (p.Pro398Leufs*16) in the HLCS gene. It is expected to result in an absent or disrupted protein product. Loss-of-function variants in HLCS are known to be pathogenic (PMID: 16134170). This variant is not present in population databases (gnomAD no frequency). This variant has not been reported in the literature in individuals affected with HLCS-related conditions. ClinVar contains an entry for this variant (Variation ID: 1452545). For these reasons, this variant has been classified as Pathogenic.

Myriad Genetics, Inc.
Classification: Pathogenic for Holocarboxylase synthetase deficiency. Last evaluated: 2024-05-25. Review status: criteria provided, single submitter. Criteria: Myriad Autosomal Dominant, Autosomal Recessive and X-Linked Classification Criteria (2023). Collection method: clinical testing. Allele origin: unknown.
Comment: NM_000411.6(HLCS):c.1193delC(P398Lfs*16) is expected to be pathogenic in the context of holocarboxylase synthetase deficiency. This variant is predicted to lead to an abnormal or absent protein product due to the creation of a premature termination codon in HLCS, a gene where loss-of-function variants are known to be pathogenic. Please note: this variant was assessed in the context of healthy population screening.

Literature cited by the submitters: PubMed 16134170 (cited by Labcorp Genetics (formerly Invitae), Labcorp).